The following is an entry in ClinVar:

NM_022132.5(MCCC2):c.823del (p.His275fs)

Gene: MCCC2 (methylcrotonyl-CoA carboxylase subunit 2; plus strand). Cytogenetic location: 5q13.2.
Variant type: Deletion.
Coding change: c.823del on transcript NM_022132.5 (MANE Select); coding-DNA position 823, one base deleted (C; older notation c.823delC).
Protein change: p.His275fs; shifts the reading frame from histidine 275.
Molecular consequence: frameshift variant.
Genome position (GRCh38, 1-based): chr5:71,634,962, C deleted; the last of 2 consecutive C bases (chr5:71,634,961-71,634,962); deleting either gives the same sequence. VCF-style (leftmost placement, unchanged base first): chr5-71634960-AC-A. GRCh37 (hg19) VCF-style: chr5-70930787-AC-A.
Other names: c.709del, p.His237fs (NM_001363147.1); short protein forms H237fs, H275fs.
Identifiers: ClinVar variation 1072513 (VCV001072513.7), dbSNP rs2112437401, ClinGen allele CA2499217886.

ClinVar aggregate classification (germline): Pathogenic (1 of 4 stars; one submission).

Conditions:
3-methylcrotonyl-CoA carboxylase 2 deficiency. Also called: METHYLCROTONYLGLYCINURIA, TYPE II; 3 alpha methylcrotonyl-CoA carboxylase 2 deficiency; 3 alpha methylcrotonylglycinuria 2; MCC 2 deficiency; Methylcrotonylglycinuria type 2. Identifiers: Orphanet 6, MedGen C1859499, MONDO:0008862, OMIM 210210.

Submission:

Labcorp Genetics (formerly Invitae), Labcorp
Classification: Pathogenic for 3-methylcrotonyl-CoA carboxylase 2 deficiency. Last evaluated: 2020-09-26. Review status: criteria provided, single submitter. Criteria: Invitae Variant Classification Sherloc (09022015). Collection method: clinical testing. Allele origin: germline.
Comment: This sequence change creates a premature translational stop signal (p.His275Thrfs*12) in the MCCC2 gene. It is expected to result in an absent or disrupted protein product. This variant is not present in population databases (ExAC no frequency). This variant has not been reported in the literature in individuals with MCCC2-related conditions. Loss-of-function variants in MCCC2 are known to be pathogenic (PMID: 11181649, 22642865). For these reasons, this variant has been classified as Pathogenic.

Literature cited by the submitters: PubMed 11181649; PubMed 22642865.